The following is an entry in ClinVar:

NM_139318.5(KCNH5):c.1340T>C (p.Met447Thr)

Gene: KCNH5 (potassium voltage-gated channel subfamily H member 5; minus strand). Cytogenetic location: 14q23.2.
Variant type: single nucleotide variant.
Coding change: c.1340T>C on transcript NM_139318.5 (MANE Select); coding-DNA position 1340, T replaced by C.
Protein change: p.Met447Thr; replaces methionine 447 with threonine.
Molecular consequence: missense variant.
Genome position (GRCh38, 1-based): chr14:62,950,162, A>G on the plus strand (T>C on the coding strand, the complement: KCNH5 is on the minus strand). VCF-style: chr14-62950162-A-G. GRCh37 (hg19) VCF-style: chr14-63416880-A-G.
Other names: c.1340T>C, p.Met447Thr (NM_172375.3); short protein forms M447T.
Identifiers: ClinVar variation 2847975 (VCV002847975.3), dbSNP rs2503004629, ClinGen allele CA390102734.

ClinVar aggregate classification (germline): Uncertain significance (1 of 4 stars; one submission).

Conditions:
Early-infantile DEE. Also called: Early infantile epileptic encephalopathy; Early infantile epileptic encephalopathy with suppression bursts; Ohtahara syndrome. Identifiers: Orphanet 1934, MedGen C0393706, MONDO:0800491.

Allele frequency attached by ClinVar (database versions not stated): gnomAD exomes below 0.00001.
gnomAD v4.1: 3 of 1,613,966 alleles (0.00019%); highest among the groups gnomAD compares: Non-Finnish European, 0.00025%; no homozygotes.

Submission:

Labcorp Genetics (formerly Invitae), Labcorp
Classification: Uncertain significance for Early-infantile DEE. Last evaluated: 2024-05-15. Review status: criteria provided, single submitter. Criteria: Invitae Variant Classification Sherloc (09022015). Collection method: clinical testing. Allele origin: germline.
Comment: This sequence change replaces methionine, which is neutral and non-polar, with threonine, which is neutral and polar, at codon 447 of the KCNH5 protein (p.Met447Thr). This variant is not present in population databases (gnomAD no frequency). This variant has not been reported in the literature in individuals affected with KCNH5-related conditions. Advanced modeling of protein sequence and biophysical properties (such as structural, functional, and spatial information, amino acid conservation, physicochemical variation, residue mobility, and thermodynamic stability) performed at Invitae indicates that this missense variant is not expected to disrupt KCNH5 protein function with a negative predictive value of 95%. In summary, the available evidence is currently insufficient to determine the role of this variant in disease. Therefore, it has been classified as a Variant of Uncertain Significance.